The following is an entry in ClinVar:

ClinVar aggregate classification (germline): Uncertain significance. Review status: criteria provided, multiple submitters, no conflicts (2 of 4 stars). 2 submissions from 2 submitters: Uncertain significance (2). Last evaluated 2025-11-20.

Conditions:
Inborn genetic diseases. Identifiers: MedGen C0950123, MeSH D030342.
Pulmonary fibrosis and/or bone marrow failure, Telomere-related, 3. Also called: PULMONARY FIBROSIS AND/OR BONE MARROW FAILURE SYNDROME, TELOMERE-RELATED, 3. Identifiers: Orphanet 2032, MedGen C4225346, MONDO:0014613, OMIM 616373.
Dyskeratosis congenita, autosomal recessive 5 (DKCB5). Identifiers: MedGen C3554656, MONDO:0014076, OMIM 615190.

gnomAD v4.1: 1 of 1,612,424 alleles (0.000062%); no homozygotes.

Submissions (2):

Labcorp Genetics (formerly Invitae), Labcorp
Classification: Uncertain significance for Dyskeratosis congenita, autosomal recessive 5; Pulmonary fibrosis and/or bone marrow failure, Telomere-related, 3. Last evaluated: 2025-11-20. Review status: criteria provided, single submitter. Criteria: Invitae Variant Classification Sherloc (09022015). Collection method: clinical testing. Allele origin: germline.
Comment: This sequence change replaces proline, which is neutral and non-polar, with arginine, which is basic and polar, at codon 1111 of the RTEL1 protein (p.Pro1111Arg). This variant is not present in population databases (gnomAD no frequency). This variant has not been reported in the literature in individuals affected with RTEL1-related conditions. ClinVar contains an entry for this variant (Variation ID: 3790960). An algorithm developed to predict the effect of missense changes on protein structure and function (PolyPhen-2) suggests that this variant is likely to be tolerated. In summary, the available evidence is currently insufficient to determine the role of this variant in disease. Therefore, it has been classified as a Variant of Uncertain Significance.

Ambry Genetics
Classification: Uncertain significance for Inborn genetic diseases. Last evaluated: 2024-12-12. Review status: criteria provided, single submitter. Criteria: Ambry Variant Classification Scheme 2023. Collection method: clinical testing. Allele origin: germline.
Comment: The p.P1111R variant (also known as c.3332C>G), located in coding exon 31 of the RTEL1 gene, results from a C to G substitution at nucleotide position 3332. The proline at codon 1111 is replaced by arginine, an amino acid with dissimilar properties. This amino acid position is conserved. In addition, the in silico prediction for this alteration is inconclusive. Based on the available evidence, the clinical significance of this variant remains unclear.

NM_001283009.2(RTEL1):c.3332C>G (p.Pro1111Arg)

Genes: RTEL1 (regulator of telomere elongation helicase 1; plus strand), RTEL1-TNFRSF6B (RTEL1-TNFRSF6B readthrough (NMD candidate); plus strand). Cytogenetic location: 20q13.33.
Variant type: single nucleotide variant.
Coding change: c.3332C>G on transcript NM_001283009.2 (MANE Select); coding-DNA position 3332, C replaced by G.
Protein change: p.Pro1111Arg; replaces proline 1111 with arginine.
Molecular consequence: missense variant. On other transcripts: non-coding transcript variant (1).
Genome position (GRCh38, 1-based): chr20:63,694,963, C>G. VCF-style: chr20-63694963-C-G. GRCh37 (hg19) VCF-style: chr20-62326316-C-G.
Other names: c.2663C>G, p.Pro888Arg (NM_001283010.1); c.3332C>G, p.Pro1111Arg (NM_016434.4); c.3404C>G, p.Pro1135Arg (NM_032957.5); short protein forms P1111R, P888R, P1135R.
Identifiers: ClinVar variation 3790960 (VCV003790960.2).